The following is an entry in ClinVar:

NM_000069.3(CACNA1S):c.1948+1G>A

Gene: CACNA1S (calcium voltage-gated channel subunit alpha1 S; minus strand). Cytogenetic location: 1q32.1.
Variant type: single nucleotide variant.
Coding change: c.1948+1G>A on transcript NM_000069.3 (MANE Select); the canonical splice donor site of the intron after coding-DNA position 1948, G replaced by A.
Molecular consequence: splice donor variant.
Genome position (GRCh38, 1-based): chr1:201,075,494, C>T on the plus strand (G>A on the coding strand, the complement: CACNA1S is on the minus strand). VCF-style: chr1-201075494-C-T. GRCh37 (hg19) VCF-style: chr1-201044622-C-T.
Identifiers: ClinVar variation 402472 (VCV000402472.17), dbSNP rs745712829, ClinGen allele CA078688.

ClinVar aggregate classification (germline): Conflicting classifications of pathogenicity. Review status: criteria provided, conflicting classifications (1 of 4 stars). 6 submissions from 6 submitters: Likely pathogenic (2); Uncertain significance (3). 1 of the submissions does not count toward it. Last evaluated 2025-12-17.

Conditions:
Congenital myopathy 18. Also called: Myopathy, congenital, due to dihydropyridine receptor defect; DIHYDROPYRIDINE RECEPTOR CONGENITAL MYOPATHY; DHPR CONGENITAL MYOPATHY. Identifiers: MedGen C5830283, MONDO:0859514, OMIM 620246.
Hypokalemic periodic paralysis, type 1. Also called: HypoPP; Hypokalemic Periodic Paralysis Type 1 (AD). Identifiers: Orphanet 681, MedGen C3714580, MONDO:0042979, OMIM 170400.
Malignant hyperthermia, susceptibility to, 5 (MHS5). Also called: CACNA1S-Related Malignant Hyperthermia Susceptibility. Identifiers: Orphanet 423, MedGen C1866077, MONDO:0011163, OMIM 601887.

Allele frequency attached by ClinVar (database versions not stated): TOPMed 0.00001; gnomAD exomes 0.00002 and 0.00003; ExAC 0.00001.
gnomAD v4.1: 43 of 1,606,036 alleles (0.0027%); highest among the groups gnomAD compares: Non-Finnish European, 0.0033%; no homozygotes.

Submissions (6):

Women's Health and Genetics/Laboratory Corporation of America, LabCorp
Classification: Likely pathogenic for Congenital myopathy 18. Last evaluated: 2025-12-17. Review status: criteria provided, single submitter. Criteria: LabCorp Variant Classification Summary - May 2015. Collection method: clinical testing. Allele origin: germline.
Comment: Variant summary: CACNA1S c.1948+1G>A is located in a canonical splice-site and is predicted to affect mRNA splicing resulting in a significantly altered protein due to either exon skipping, shortening, or inclusion of intronic material. Variants that disrupt the consensus splice site are a relatively common cause of aberrant splicing and loss of CACNA1S function. Consensus agreement among computation tools predict no significant impact on normal splicing. However, these predictions have yet to be confirmed by functional studies. The variant allele was found at a frequency of 2e-05 in 251466 control chromosomes. To our knowledge, no occurrence of c.1948+1G>A in individuals affected with CACNA1S-related conditions and no experimental evidence demonstrating its impact on protein function have been reported. ClinVar contains an entry for this variant (Variation ID: 402472). To our knowledge, this variant has not been reported in individuals with autosomal dominant CACNA1S-related conditions. Based on the evidence outlined above, the variant was classified as likely pathogenic for autosomal recessive Congenital Myopathy 18.

Color Diagnostics, LLC DBA Color Health
Classification: Uncertain significance for Malignant hyperthermia, susceptibility to, 5. Last evaluated: 2025-10-06. Review status: criteria provided, single submitter. Criteria: ACMG Guidelines, 2015. Collection method: clinical testing. Allele origin: germline.
Comment: This variant causes a G to A nucleotide substitution at the +1 position of intron 13 of the CACNA1S gene. Splice site prediction tools predict that this variant may have a significant impact on RNA splicing. To our knowledge, functional studies have not been reported for this variant. This variant has not been reported in individuals affected with CACNA1S-related disorders in the literature. This variant has been identified in 5/251466 chromosomes in the general population by the Genome Aggregation Database (gnomAD). Loss of CACNA1S function due to truncation and splice variants is not an established disease mechanism for autosomal dominant malignant hyperthermia, although it is associated with other phenotype(s) (ClinVar variation ID: 402472). Due to insufficient evidence, this variant is classified as a Variant of Uncertain Significance for autosomal dominant malignant hyperthermia.

Labcorp Genetics (formerly Invitae), Labcorp
Classification: Likely pathogenic for Hypokalemic periodic paralysis, type 1; Malignant hyperthermia, susceptibility to, 5. Last evaluated: 2025-09-24. Review status: criteria provided, single submitter. Criteria: Invitae Variant Classification Sherloc (09022015). Collection method: clinical testing. Allele origin: germline.
Comment: This sequence change affects a donor splice site in intron 13 of the CACNA1S gene. It is expected to disrupt RNA splicing. Variants that disrupt the donor or acceptor splice site typically lead to a loss of protein function (PMID: 16199547), and loss-of-function variants in CACNA1S are known to be pathogenic (PMID: 26247046, 28012042). This variant is present in population databases (rs745712829, gnomAD 0.009%). This variant has not been reported in the literature in individuals affected with CACNA1S-related conditions. ClinVar contains an entry for this variant (Variation ID: 402472). Algorithms developed to predict the effect of sequence changes on RNA splicing suggest that this variant may disrupt the consensus splice site. In summary, the currently available evidence indicates that the variant is pathogenic, but additional data are needed to prove that conclusively. Therefore, this variant has been classified as Likely Pathogenic.

All of Us Research Program, National Institutes of Health
Classification: Uncertain significance for Malignant hyperthermia, susceptibility to, 5. Last evaluated: 2024-02-28. Review status: criteria provided, single submitter. Criteria: ACMG Guidelines, 2015. Collection method: clinical testing. Allele origin: germline. Inheritance: Autosomal dominant inheritance. Observed: 3 variant alleles, 3 heterozygotes.
Comment: This variant causes a G to A nucleotide substitution at the +1 position of intron 13 of the CACNA1S gene. Splice site prediction tools predict that this variant may have a significant impact on RNA splicing. To our knowledge, functional studies have not been reported for this variant. This variant has not been reported in individuals affected with CACNA1S-related disorders in the literature. This variant has been identified in 5/251466 chromosomes in the general population by the Genome Aggregation Database (gnomAD). Loss of CACNA1S function due to truncation and splice variants is not an established disease mechanism for autosomal dominant malignant hyperthermia, although it is associated with other phenotype(s) (ClinVar variation ID: 402472). Due to insufficient evidence, this variant is classified as a Variant of Uncertain Significance for autosomal dominant malignant hyperthermia.

This study involves interpretation of variants in research participants for the purpose of population health screening. Participant phenotype was not available at the time of variant classification. Additional details can be found in publication PMID: 35346344, PMCID: PMC8962531

Laboratory for Molecular Medicine, Mass General Brigham Personalized Medicine
Classification: Uncertain significance. Last evaluated: 2016-10-20. Review status: criteria provided, single submitter. Criteria: LMM Criteria. Collection method: clinical testing. Allele origin: germline.
Comment: Variant identified in a genome or exome case(s) and assessed due to predicted null impact of the variant or pathogenic assertions in the literature or databases. Disclaimer: This variant has not undergone full assessment. The following are preliminary notes: LOF not established disease mechanism for MH

Gharavi Laboratory, Columbia University
Classification: Uncertain significance. Last evaluated: 2018-09-16. Review status: no assertion criteria provided. Criteria: ACMG Guidelines, 2015. Collection method: research. Allele origin: germline. Affected: no. Not counted in ClinVar's aggregate classification.

Literature cited by the submitters: PubMed 30476936 (cited by Women's Health and Genetics/Laboratory Corporation of America, LabCorp); PubMed 39096151 (cited by Women's Health and Genetics/Laboratory Corporation of America, LabCorp); PubMed 16199547 (cited by Labcorp Genetics (formerly Invitae), Labcorp); PubMed 26247046 (cited by Labcorp Genetics (formerly Invitae), Labcorp); PubMed 28012042 (cited by Labcorp Genetics (formerly Invitae), Labcorp).